The following is an entry in ClinVar:

ClinVar aggregate classification (germline): Uncertain significance (1 of 4 stars; one submission).

Conditions:
Cardiovascular phenotype. Identifiers: MedGen CN230736.

gnomAD v4.1: 1 of 1,606,208 alleles (0.000062%); highest among the groups gnomAD compares: Non-Finnish European, 0.000085%; no homozygotes.

Submission:

Molecular Diagnostic Laboratory for Inherited Cardiovascular Disease, Montreal Heart Institute
Classification: Uncertain significance for Cardiovascular phenotype. Last evaluated: 2025-04-09. Review status: criteria provided, single submitter. Criteria: ACMG Guidelines, 2015. Collection method: clinical testing. Allele origin: germline. Affected: yes.
Comment: PM2, PP3

NM_002230.4(JUP):c.695T>A (p.Val232Asp)

Gene: JUP (junction plakoglobin; minus strand). Cytogenetic location: 17q21.2.
Variant type: single nucleotide variant.
Coding change: c.695T>A on transcript NM_002230.4 (MANE Select); coding-DNA position 695, T replaced by A.
Protein change: p.Val232Asp; replaces valine 232 with aspartic acid.
Molecular consequence: missense variant.
Genome position (GRCh38, 1-based): chr17:41,768,981, A>T on the plus strand (T>A on the coding strand, the complement: JUP is on the minus strand). VCF-style: chr17-41768981-A-T. GRCh37 (hg19) VCF-style: chr17-39925233-A-T.
Other names: c.695T>A, p.Val232Asp (NM_001352773.2, NM_001352774.2, NM_001352775.2 and 3 more transcripts); short protein forms V232D.
Identifiers: ClinVar variation 3895185 (VCV003895185.1).